The following is an entry in ClinVar:

NM_001190274.2(FBXO11):c.232G>A (p.Asp78Asn)

Gene: FBXO11 (F-box protein 11; minus strand). Cytogenetic location: 2p16.3.
Variant type: single nucleotide variant.
Coding change: c.232G>A on transcript NM_001190274.2 (MANE Select); coding-DNA position 232, G replaced by A.
Protein change: p.Asp78Asn; replaces aspartic acid 78 with asparagine.
Molecular consequence: missense variant.
Genome position (GRCh38, 1-based): chr2:47,905,489, C>T on the plus strand (G>A on the coding strand, the complement: FBXO11 is on the minus strand). VCF-style: chr2-47905489-C-T. GRCh37 (hg19) VCF-style: chr2-48132628-C-T.
Other names: short protein forms D78N.
Identifiers: ClinVar variation 2185835 (VCV002185835.4), dbSNP rs1480712317, ClinGen allele CA346812462.

ClinVar aggregate classification (germline): Uncertain significance (1 of 4 stars; one submission).

Submission:

Labcorp Genetics (formerly Invitae), Labcorp
Classification: Uncertain significance. Last evaluated: 2022-09-15. Review status: criteria provided, single submitter. Criteria: Invitae Variant Classification Sherloc (09022015). Collection method: clinical testing. Allele origin: germline.
Comment: In summary, the available evidence is currently insufficient to determine the role of this variant in disease. Therefore, it has been classified as a Variant of Uncertain Significance. This sequence change replaces aspartic acid, which is acidic and polar, with asparagine, which is neutral and polar, at codon 78 of the FBXO11 protein (p.Asp78Asn). This variant also falls at the last nucleotide of exon 1, which is part of the consensus splice site for this exon. This variant is not present in population databases (gnomAD no frequency). This variant has not been reported in the literature in individuals affected with FBXO11-related conditions. Algorithms developed to predict the effect of missense changes on protein structure and function (SIFT, PolyPhen-2, Align-GVGD) all suggest that this variant is likely to be tolerated. Variants that disrupt the consensus splice site are a relatively common cause of aberrant splicing (PMID: 17576681, 9536098).

Literature cited by the submitters: PubMed 17576681; PubMed 9536098.